The following is an entry in ClinVar:

ClinVar aggregate classification (germline): Likely benign. Review status: criteria provided, multiple submitters, no conflicts (2 of 4 stars). 2 submissions from 2 submitters: Likely benign (2). Last evaluated 2025-02-25.

Conditions:
Occult macular dystrophy (OCMD). Also called: OMD; OCCULT MACULAR DYSTROPHY, SUSCEPTIBILITY TO. Identifiers: Orphanet 247834, MedGen C3150833, MONDO:0013316, OMIM 613587, HP:0030636.
RP1L1-related disorder. Also called: RP1L1-related condition.

Allele frequency attached by ClinVar (database versions not stated): ExAC 0.00002; gnomAD exomes 0.00002; TOPMed 0.00036.
gnomAD v4.1: 61 of 1,613,598 alleles (0.0038%); highest among the groups gnomAD compares: Non-Finnish European, 0.0023%; 1 homozygote.

Submissions (2):

PreventionGenetics, part of Exact Sciences
Classification: Likely benign for RP1L1-related condition. Last evaluated: 2025-02-25. Review status: criteria provided, single submitter. Criteria: ACMG Guidelines, 2015. Collection method: clinical testing. Allele origin: germline.
Comment: This variant is classified as likely benign based on ACMG/AMP sequence variant interpretation guidelines (Richards et al. 2015 PMID: 25741868, with internal and published modifications).

Illumina Laboratory Services, Illumina
Classification: Likely benign for Occult macular dystrophy. Last evaluated: 2018-01-13. Review status: criteria provided, single submitter. Criteria: ICSL Variant Classification Criteria 13 December 2019. Collection method: clinical testing. Allele origin: germline.
Comment: This variant was observed in the ICSL laboratory as part of a predisposition screen in an ostensibly healthy population. It had not been previously curated by ICSL or reported in the Human Gene Mutation Database (HGMD: prior to June 1st, 2018), and was therefore a candidate for classification through an automated scoring system. Utilizing variant allele frequency, disease prevalence and penetrance estimates, and inheritance mode, an automated score was calculated to assess if this variant is too frequent to cause the disease. Based on the score and internal cut-off values, a variant classified as likely benign is not then subjected to further curation. The score for this variant resulted in a classification of likely benign for this disease.

NM_178857.6(RP1L1):c.1980C>T (p.Ala660=)

Gene: RP1L1 (RP1 like 1). Cytogenetic location: 8p23.1.
Variant type: single nucleotide variant.
Coding change: c.1980C>T on transcript NM_178857.6 (MANE Select); coding-DNA position 1980, C replaced by T.
Protein change: p.Ala660=; no amino-acid change (alanine 660 retained).
Molecular consequence: synonymous variant.
Genome position (GRCh38, 1-based): chr8:10,612,118, G>A on the plus strand (C>T on the coding strand, the complement: RP1L1 is on the minus strand). VCF-style: chr8-10612118-G-A. GRCh37 (hg19) VCF-style: chr8-10469628-G-A.
Identifiers: ClinVar variation 909485 (VCV000909485.5), dbSNP rs748540099, ClinGen allele CA4624994.
Genomic context (GRCh38, chr8:10,612,118, plus strand): 5'-GGAGTCCAGTGGGCTGTGGGTGTCCTTGCGGTAGTGAGAATGCCTGGGATGGCCTCTCGG[G>A]GCCACTCGGCCAAGGCCAGGGCTGCTGGGTGAGGACATTGCACTGGCCCGGCTTCTGTGC-3'
Protein context (NP_849188.4, residues 650-670): SPSSPGLGRV[Ala660=]PRGHPRHSHY